The following is an entry in ClinVar:

NM_004415.4(DSP):c.1dup (p.Met1fs)

Genes: DSP (desmoplakin; plus strand), DSP-AS1 (DSP antisense RNA 1; minus strand). Cytogenetic location: 6p24.3.
Variant type: Duplication.
Coding change: c.1dup on transcript NM_004415.4 (MANE Select); coding-DNA position 1, one base duplicated (A; older notation c.1dupA).
Protein change: p.Met1fs; shifts the reading frame from methionine 1.
Genome position (GRCh38, 1-based): chr6:7,541,916, A duplicated. VCF-style (leftmost placement, unchanged base first): chr6-7541915-C-CA. GRCh37 (hg19) VCF-style: chr6-7542148-C-CA.
Other names: p.?; p.Met1?; c.1dup, p.Met1fs (NM_001008844.3, NM_001319034.2); c.1dupA (NM_004415.4); short protein forms M1fs.
Identifiers: ClinVar variation 36015 (VCV000036015.28), dbSNP rs17133512, ClinGen allele CA282478.

ClinVar aggregate classification (germline): Conflicting classifications of pathogenicity. Review status: criteria provided, conflicting classifications (1 of 4 stars). 15 submissions from 15 submitters: Uncertain significance (1); Benign (11). 3 of the submissions do not count toward it. Last evaluated 2025-02-17.

Conditions:
Cardiovascular phenotype. Identifiers: MedGen CN230736.
Cardiomyopathy (CMYO). Also called: Cardiomyopathies. Identifiers: Orphanet 167848, MedGen C0878544, MONDO:0004994, HP:0001638. Inheritance: Various modes of inheritance.
Arrhythmogenic right ventricular dysplasia 8 (ARVD8). Also called: ARRHYTHMOGENIC RIGHT VENTRICULAR DYSPLASIA, FAMILIAL, 8; ARRHYTHMOGENIC RIGHT VENTRICULAR CARDIOMYOPATHY 8; Arrhythmogenic Right Ventricular Dysplasia/Cardiomyopathy 8. Identifiers: MedGen C1843896, MONDO:0011831, OMIM 607450.

Allele frequency attached by ClinVar (database versions not stated): gnomAD exomes 0.14540 and 0.16713; ESP Exome Variant Server 0.16650; gnomAD 0.17291 and 0.17362; TOPMed 0.17715; ExAC 0.19939; 1000 Genomes Project 0.19968; 1000 Genomes Project 30x 0.20003.

Submissions (15):

Molecular Diagnostic Laboratory for Inherited Cardiovascular Disease, Montreal Heart Institute
Classification: Benign. Last evaluated: 2025-02-17. Review status: criteria provided, single submitter. Criteria: ACMG Guidelines, 2015. Collection method: clinical testing. Allele origin: germline. Affected: no.

Blueprint Genetics
Classification: Benign. Last evaluated: 2024-11-27. Review status: criteria provided, single submitter. Criteria: ACMG Guidelines, 2015. Collection method: clinical testing. Allele origin: germline.

Cohesion Phenomics
Classification: Benign for Cardiomyopathy. Last evaluated: 2022-09-23. Review status: criteria provided, single submitter. Criteria: ACMG Guidelines, 2015. Collection method: clinical testing. Allele origin: germline. Affected: yes.

Women's Health and Genetics/Laboratory Corporation of America, LabCorp
Classification: Benign. Last evaluated: 2019-04-24. Review status: criteria provided, single submitter. Criteria: LabCorp Variant Classification Summary - May 2015. Collection method: clinical testing. Allele origin: germline.
Comment: Variant summary: DSP c.1dupA is located in the untranslated mRNA region upstream of the initiation codon. The variant allele was found at a frequency of 0.17 in 231420 control chromosomes in the gnomAD database, including 3569 homozygotes. The observed variant frequency is approximately 6685.078 fold of the estimated maximal expected allele frequency for a pathogenic variant in DSP causing Cardiomyopathy phenotype (2.5e-05), strongly suggesting that the variant is benign. c.1dupA has been reported in the literature in individuals affected with Cardiomyopathy. These report(s) do not provide unequivocal conclusions about association of the variant with Cardiomyopathy. To our knowledge, no experimental evidence demonstrating an impact on protein function has been reported. Three clinical diagnostic laboratories have submitted clinical-significance assessments for this variant to ClinVar after 2014 without evidence for independent evaluation. All laboratories classified the variant as benign/likely benign. Based on the evidence outlined above, the variant was classified as benign.

Color Diagnostics, LLC DBA Color Health
Classification: Benign for Cardiomyopathy. Last evaluated: 2018-03-09. Review status: criteria provided, single submitter. Criteria: ACMG Guidelines, 2015. Collection method: clinical testing. Allele origin: germline.

GeneDx
Classification: Benign. Last evaluated: 2017-09-20. Review status: criteria provided, single submitter. Criteria: GeneDx Variant Classification (06012015). Collection method: clinical testing. Allele origin: germline. Affected: yes.
Comment: This variant is considered likely benign or benign based on one or more of the following criteria: it is a conservative change, it occurs at a poorly conserved position in the protein, it is predicted to be benign by multiple in silico algorithms, and/or has population frequency not consistent with disease.

Institute of Human Genetics, University of Leipzig Medical Center
Classification: Uncertain significance for Arrhythmogenic right ventricular dysplasia 8. Last evaluated: 2016-09-26. Review status: criteria provided, single submitter. Criteria: ACMG Guidelines, 2015. Collection method: clinical testing. Allele origin: germline. Affected: yes. Observed: 1 variant allele.

Ambry Genetics
Classification: Benign for Cardiovascular phenotype. Last evaluated: 2015-12-22. Review status: criteria provided, single submitter. Criteria: Ambry Autosomal Dominant and X-Linked criteria (10/2015). Collection method: clinical testing. Allele origin: germline. Observed: 1 variant allele.
Comment: Internal frequency is too high to be a pathogenic mutation based on disease/syndrome prevalence and penetrance

Mayo Clinic Laboratories, Mayo Clinic
Classification: Benign. Last evaluated: 2015-03-19. Review status: criteria provided, single submitter. Criteria: ACMG Guidelines, 2015. Collection method: clinical testing. Allele origin: germline. Observed: 406 variant alleles.

Biesecker Lab/Clinical Genomics Section, National Institutes of Health
Classification: Benign. Last evaluated: 2013-06-24. Review status: criteria provided, single submitter. Criteria: Ng et al. (Circ Cardiovasc Genet. 2013). Collection method: research. Allele origin: unknown. Observed: 108 variant alleles. Study: ClinSeq.
Comment: The study set was not selected for affection status in relation to any cancer. Pathogenicity categories were based on literature curation. See Pubmed ID:23861362 for details.

Medical sequencing

Laboratory for Molecular Medicine, Mass General Brigham Personalized Medicine
Classification: Benign. Last evaluated: 2010-05-03. Review status: criteria provided, single submitter. Criteria: LMM Criteria. Collection method: clinical testing. Allele origin: germline. Observed: 577 variant alleles.
Comment: The variant has been reported in dbSNP without frequency information (rs17133512 ). Classified as benign based on high allele frequency (0.162, n=290 chromosomes ) in ARVC probands tested at the LMM. In addition, the fraction of probands carr ying the -1_1insA variant matches the expected detection rate for ARVC (~50%), f urther supporting a benign role.

PreventionGenetics, part of Exact Sciences
Classification: Benign. Review status: criteria provided, single submitter. Criteria: ACMG Guidelines, 2015. Collection method: clinical testing. Allele origin: germline.

Clinical Genetics DNA and cytogenetics Diagnostics Lab, Erasmus MC, Erasmus Medical Center
Classification: Benign. Review status: no assertion criteria provided. Collection method: clinical testing. Allele origin: germline. Affected: yes. Study: VKGL Data-share Consensus. Not counted in ClinVar's aggregate classification.

Clinical Genetics, Academic Medical Center
Classification: Benign. Review status: no assertion criteria provided. Collection method: clinical testing. Allele origin: germline. Affected: yes. Study: VKGL Data-share Consensus. Not counted in ClinVar's aggregate classification.

Joint Genome Diagnostic Labs from Nijmegen and Maastricht, Radboudumc and MUMC+
Classification: Benign. Review status: no assertion criteria provided. Collection method: clinical testing. Allele origin: germline. Affected: yes. Study: VKGL Data-share Consensus. Not counted in ClinVar's aggregate classification.

Literature cited by the submitters: PubMed 18632414 (cited by Women's Health and Genetics/Laboratory Corporation of America, LabCorp and Laboratory for Molecular Medicine, Mass General Brigham Personalized Medicine); PubMed 10395892 (cited by Laboratory for Molecular Medicine, Mass General Brigham Personalized Medicine).